The following is an entry in ClinVar:

NM_183065.4(TMEM107):c.156-4G>A

Genes: TMEM107 (transmembrane protein 107; minus strand), LOC105371520 (uncharacterized LOC105371520; plus strand). Cytogenetic location: 17p13.1.
Variant type: single nucleotide variant.
Coding change: c.156-4G>A on transcript NM_183065.4 (MANE Select); 4 bases into the intron before coding-DNA position 156, G replaced by A.
Molecular consequence: intron variant. On other transcripts: missense variant (2).
Genome position (GRCh38, 1-based): chr17:8,175,861, C>T on the plus strand (G>A on the coding strand, the complement: TMEM107 is on the minus strand). VCF-style: chr17-8175861-C-T. GRCh37 (hg19) VCF-style: chr17-8079179-C-T.
Other names: c.170G>A, p.Cys57Tyr (NM_001351278.2, NM_032354.5); c.155+98G>A (NM_001351280.2); c.156-4G>A (NM_001351279.2); short protein forms C57Y.
Identifiers: ClinVar variation 1492508 (VCV001492508.4), dbSNP rs201719110, ClinGen allele CA8371020.
Genomic context (GRCh38, chr17:8,175,861, plus strand): 5'-AAACCGGCCAGCTCCACTGCAAAGAGGCCCAGGGTGACAGAGAGCGCGGCCACCAGCCTG[C>T]AGAGAGGAAGTGGACTGGCCCAGGCCTTTGGACTTATTCTAAGACCCCTCCACTCCCACC-3'

ClinVar aggregate classification (germline): Conflicting classifications of pathogenicity. Review status: criteria provided, conflicting classifications (1 of 4 stars). 2 submissions from 2 submitters: Uncertain significance (1); Benign (1). Last evaluated 2024-10-03.

Allele frequency attached by ClinVar (database versions not stated): TOPMed 0.00004; gnomAD 0.00006 and 0.00018; 1000 Genomes Project 30x 0.00031; 1000 Genomes Project 0.00040.
gnomAD v4.1: 611 of 1,614,176 alleles (0.038%); highest among the groups gnomAD compares: East Asian, 1.3%; 10 homozygotes.

Submissions (2):

Blueprint Genetics
Classification: Benign. Last evaluated: 2024-10-03. Review status: criteria provided, single submitter. Criteria: ACMG Guidelines, 2015. Collection method: clinical testing. Allele origin: germline.

Labcorp Genetics (formerly Invitae), Labcorp
Classification: Uncertain significance. Last evaluated: 2022-07-25. Review status: criteria provided, single submitter. Criteria: Invitae Variant Classification Sherloc (09022015). Collection method: clinical testing. Allele origin: germline.
Comment: This sequence change replaces cysteine, which is neutral and slightly polar, with tyrosine, which is neutral and polar, at codon 57 of the TMEM107 protein (p.Cys57Tyr). This variant is present in population databases (rs201719110, gnomAD 0.2%). This variant has not been reported in the literature in individuals affected with TMEM107-related conditions. ClinVar contains an entry for this variant (Variation ID: 1492508). Algorithms developed to predict the effect of missense changes on protein structure and function output the following: SIFT: "Deleterious"; PolyPhen-2: "Benign"; Align-GVGD: "Class C0". The tyrosine amino acid residue is found in multiple mammalian species, which suggests that this missense change does not adversely affect protein function. In summary, the available evidence is currently insufficient to determine the role of this variant in disease. Therefore, it has been classified as a Variant of Uncertain Significance.